The following is an entry in ClinVar:

ClinVar aggregate classification (germline): Uncertain significance (1 of 4 stars; one submission).

Allele frequency attached by ClinVar (database versions not stated): gnomAD exomes below 0.00001; TOPMed below 0.00001; gnomAD 0.00001.
gnomAD v4.1: 3 of 1,602,758 alleles (0.00019%); highest among the groups gnomAD compares: Non-Finnish European, 0.00026%; no homozygotes.

Submission:

Labcorp Genetics (formerly Invitae), Labcorp
Classification: Uncertain significance. Last evaluated: 2022-10-17. Review status: criteria provided, single submitter. Criteria: Invitae Variant Classification Sherloc (09022015). Collection method: clinical testing. Allele origin: germline.
Comment: In summary, the available evidence is currently insufficient to determine the role of this variant in disease. Therefore, it has been classified as a Variant of Uncertain Significance. Algorithms developed to predict the effect of missense changes on protein structure and function are either unavailable or do not agree on the potential impact of this missense change (SIFT: "Deleterious"; PolyPhen-2: "Not Available"; Align-GVGD: "Class C65"). This variant has not been reported in the literature in individuals affected with POLD2-related conditions. This variant is present in population databases (no rsID available, gnomAD 0.007%). This sequence change replaces threonine, which is neutral and polar, with methionine, which is neutral and non-polar, at codon 190 of the POLD2 protein (p.Thr190Met).

NM_006230.4(POLD2):c.464C>T (p.Thr155Met)

Gene: POLD2 (DNA polymerase delta 2, accessory subunit; minus strand). Cytogenetic location: 7p13.
Variant type: single nucleotide variant.
Coding change: c.464C>T on transcript NM_006230.4 (MANE Select); coding-DNA position 464, C replaced by T.
Protein change: p.Thr155Met; replaces threonine 155 with methionine.
Molecular consequence: missense variant.
Genome position (GRCh38, 1-based): chr7:44,117,621, G>A on the plus strand (C>T on the coding strand, the complement: POLD2 is on the minus strand). VCF-style: chr7-44117621-G-A. GRCh37 (hg19) VCF-style: chr7-44157220-G-A.
Other names: c.464C>T, p.Thr155Met (NM_001127218.3, NM_001256879.2); short protein forms T155M.
Identifiers: ClinVar variation 2182026 (VCV002182026.4), dbSNP rs1418184068, ClinGen allele CA367384956.